The following is an entry in ClinVar:

ClinVar aggregate classification (germline): Conflicting classifications of pathogenicity. Review status: criteria provided, conflicting classifications (1 of 4 stars). 7 submissions from 7 submitters: Uncertain significance (2); Likely benign (1). 4 of the submissions do not count toward it. Last evaluated 2026-02-03.

Conditions:
TFR2-related disorder. Also called: TFR2-related condition.
Hereditary hemochromatosis (HFE). Identifiers: MedGen C0392514, MONDO:0006507. Disease mechanism: loss of function.
Hemochromatosis type 3 (HFE3). Also called: Hereditary hemochromatosis type 3; TFR2-Related Hemochromatosis; HEMOCHROMATOSIS DUE TO DEFECT IN TRANSFERRIN RECEPTOR 2. Identifiers: Orphanet 225123, MedGen C1858664, MONDO:0011417, OMIM 604250.

Allele frequency attached by ClinVar (database versions not stated): 1000 Genomes Project 30x 0.00109; 1000 Genomes Project 0.00140; TOPMed 0.00229; gnomAD 0.00274 and 0.00289; gnomAD exomes 0.00311 and 0.00426; ExAC 0.00333; ESP Exome Variant Server 0.00392.
gnomAD v4.1: 6,576 of 1,613,886 alleles (0.41%); highest among the groups gnomAD compares: Non-Finnish European, 0.48%; 21 homozygotes.

Submissions (34):

Labcorp Genetics (formerly Invitae), Labcorp
Classification: Likely benign for Hereditary hemochromatosis. Last evaluated: 2026-02-03. Review status: criteria provided, single submitter. Criteria: Invitae Variant Classification Sherloc (09022015). Collection method: clinical testing. Allele origin: germline.

Department of Pathology and Laboratory Medicine, Sinai Health System
Classification: Uncertain significance for Hemochromatosis type 3. Last evaluated: 2023-07-25. Review status: criteria provided, single submitter. Criteria: ACMG Guidelines, 2015. Collection method: research. Allele origin: germline.

Illumina Laboratory Services, Illumina
Classification: Uncertain significance for Hemochromatosis type 3. Last evaluated: 2017-04-27. Review status: criteria provided, single submitter. Criteria: ICSL Variant Classification Criteria 13 December 2019. Collection method: clinical testing. Allele origin: germline.
Comment: This variant was observed as part of a predisposition screen in an ostensibly healthy population. A literature search was performed for the gene, cDNA change, and amino acid change (where applicable). Publications were found based on this search. However, the evidence from the literature, in combination with allele frequency data from public databases where available, was not sufficient to rule this variant in or out of causing disease. Therefore, this variant is classified as a variant of unknown significance.

Natera, Inc.
Classification: Likely benign for Hereditary hemochromatosis type 3. Last evaluated: 2020-01-10. Review status: no assertion criteria provided. Collection method: clinical testing. Allele origin: germline. Not counted in ClinVar's aggregate classification.

PreventionGenetics, part of Exact Sciences
Classification: Likely benign for TFR2-related condition. Last evaluated: 2019-06-25. Review status: no assertion criteria provided. Collection method: clinical testing. Allele origin: germline. Not counted in ClinVar's aggregate classification.
Comment: This variant is classified as likely benign based on ACMG/AMP sequence variant interpretation guidelines (Richards et al. 2015 PMID: 25741868, with internal and published modifications).

Clinical Genetics DNA and cytogenetics Diagnostics Lab, Erasmus MC, Erasmus Medical Center
Classification: Uncertain significance. Review status: no assertion criteria provided. Collection method: clinical testing. Allele origin: germline. Affected: yes. Study: VKGL Data-share Consensus. Not counted in ClinVar's aggregate classification.

Diagnostic Laboratory, Department of Genetics, University Medical Center Groningen
Classification: Uncertain significance. Review status: no assertion criteria provided. Collection method: clinical testing. Allele origin: germline. Affected: yes. Study: VKGL Data-share Consensus. Not counted in ClinVar's aggregate classification.

Dr. Peter K. Rogan Lab, Western University
No classification provided (evidence only). Condition: Malignant tumor of urinary bladder. Review status: no classification provided. Collection method: in vitro. Allele origin: not applicable. Functional consequence: retained intron. Not counted in ClinVar's aggregate classification.

Dr. Peter K. Rogan Lab, Western University
No classification provided (evidence only). Condition: Melanoma. Review status: no classification provided. Collection method: in vitro. Allele origin: not applicable. Functional consequence: retained intron. Not counted in ClinVar's aggregate classification.

Dr. Peter K. Rogan Lab, Western University
No classification provided (evidence only). Condition: Familial cancer of breast. Review status: no classification provided. Collection method: in vitro. Allele origin: not applicable. Functional consequence: retained intron. Not counted in ClinVar's aggregate classification.

Dr. Peter K. Rogan Lab, Western University
No classification provided (evidence only). Condition: Familial cancer of breast. Review status: no classification provided. Collection method: in vitro. Allele origin: not applicable. Functional consequence: retained intron. Not counted in ClinVar's aggregate classification.

Dr. Peter K. Rogan Lab, Western University
No classification provided (evidence only). Condition: Familial cancer of breast. Review status: no classification provided. Collection method: in vitro. Allele origin: not applicable. Functional consequence: retained intron. Not counted in ClinVar's aggregate classification.

Dr. Peter K. Rogan Lab, Western University
No classification provided (evidence only). Condition: Colon adenocarcinoma. Review status: no classification provided. Collection method: in vitro. Allele origin: not applicable. Functional consequence: retained intron. Not counted in ClinVar's aggregate classification.

Dr. Peter K. Rogan Lab, Western University
No classification provided (evidence only). Condition: Colorectal cancer. Review status: no classification provided. Collection method: in vitro. Allele origin: not applicable. Functional consequence: retained intron. Not counted in ClinVar's aggregate classification.

Dr. Peter K. Rogan Lab, Western University
No classification provided (evidence only). Condition: Uterine corpus endometrial carcinoma. Review status: no classification provided. Collection method: in vitro. Allele origin: not applicable. Functional consequence: retained intron. Not counted in ClinVar's aggregate classification.

Dr. Peter K. Rogan Lab, Western University
No classification provided (evidence only). Condition: Uterine corpus endometrial carcinoma. Review status: no classification provided. Collection method: in vitro. Allele origin: not applicable. Functional consequence: retained intron. Not counted in ClinVar's aggregate classification.

Dr. Peter K. Rogan Lab, Western University
No classification provided (evidence only). Condition: Cervical cancer. Review status: no classification provided. Collection method: in vitro. Allele origin: not applicable. Functional consequence: retained intron. Not counted in ClinVar's aggregate classification.

Dr. Peter K. Rogan Lab, Western University
No classification provided (evidence only). Condition: Cervical cancer. Review status: no classification provided. Collection method: in vitro. Allele origin: not applicable. Functional consequence: retained intron. Not counted in ClinVar's aggregate classification.

Dr. Peter K. Rogan Lab, Western University
No classification provided (evidence only). Condition: Cervical cancer. Review status: no classification provided. Collection method: in vitro. Allele origin: not applicable. Functional consequence: retained intron. Not counted in ClinVar's aggregate classification.

Dr. Peter K. Rogan Lab, Western University
No classification provided (evidence only). Condition: Cervical cancer. Review status: no classification provided. Collection method: in vitro. Allele origin: not applicable. Functional consequence: retained intron. Not counted in ClinVar's aggregate classification.

Dr. Peter K. Rogan Lab, Western University
No classification provided (evidence only). Condition: Cervical cancer. Review status: no classification provided. Collection method: in vitro. Allele origin: not applicable. Functional consequence: retained intron. Not counted in ClinVar's aggregate classification.

Dr. Peter K. Rogan Lab, Western University
No classification provided (evidence only). Condition: Cervical cancer. Review status: no classification provided. Collection method: in vitro. Allele origin: not applicable. Functional consequence: retained intron. Not counted in ClinVar's aggregate classification.

Dr. Peter K. Rogan Lab, Western University
No classification provided (evidence only). Condition: Cervical cancer. Review status: no classification provided. Collection method: in vitro. Allele origin: not applicable. Functional consequence: retained intron. Not counted in ClinVar's aggregate classification.

Dr. Peter K. Rogan Lab, Western University
No classification provided (evidence only). Condition: Cervical cancer. Review status: no classification provided. Collection method: in vitro. Allele origin: not applicable. Functional consequence: retained intron. Not counted in ClinVar's aggregate classification.

Dr. Peter K. Rogan Lab, Western University
No classification provided (evidence only). Condition: Cervical cancer. Review status: no classification provided. Collection method: in vitro. Allele origin: not applicable. Functional consequence: retained intron. Not counted in ClinVar's aggregate classification.

Dr. Peter K. Rogan Lab, Western University
No classification provided (evidence only). Condition: Cervical cancer. Review status: no classification provided. Collection method: in vitro. Allele origin: not applicable. Functional consequence: retained intron. Not counted in ClinVar's aggregate classification.

Dr. Peter K. Rogan Lab, Western University
No classification provided (evidence only). Condition: Sarcoma. Review status: no classification provided. Collection method: in vitro. Allele origin: not applicable. Functional consequence: retained intron. Not counted in ClinVar's aggregate classification.

Dr. Peter K. Rogan Lab, Western University
No classification provided (evidence only). Condition: Malignant lymphoma, large B-cell, diffuse. Review status: no classification provided. Collection method: in vitro. Allele origin: not applicable. Functional consequence: retained intron. Not counted in ClinVar's aggregate classification.

Dr. Peter K. Rogan Lab, Western University
No classification provided (evidence only). Condition: Thymoma. Review status: no classification provided. Collection method: in vitro. Allele origin: not applicable. Functional consequence: retained intron. Not counted in ClinVar's aggregate classification.

Dr. Peter K. Rogan Lab, Western University
No classification provided (evidence only). Condition: Ovarian serous cystadenocarcinoma. Review status: no classification provided. Collection method: in vitro. Allele origin: not applicable. Functional consequence: retained intron. Not counted in ClinVar's aggregate classification.

Dr. Peter K. Rogan Lab, Western University
No classification provided (evidence only). Condition: Gastric cancer. Review status: no classification provided. Collection method: in vitro. Allele origin: not applicable. Functional consequence: retained intron. Not counted in ClinVar's aggregate classification.

Dr. Peter K. Rogan Lab, Western University
No classification provided (evidence only). Condition: Uterine carcinosarcoma. Review status: no classification provided. Collection method: in vitro. Allele origin: not applicable. Functional consequence: retained intron. Not counted in ClinVar's aggregate classification.

Dr. Peter K. Rogan Lab, Western University
No classification provided (evidence only). Condition: Lymphoma. Review status: no classification provided. Collection method: in vitro. Allele origin: not applicable. Functional consequence: retained intron. Not counted in ClinVar's aggregate classification.

Dr. Peter K. Rogan Lab, Western University
No classification provided (evidence only). Condition: Ovarian cancer. Review status: no classification provided. Collection method: in vitro. Allele origin: not applicable. Functional consequence: retained intron. Not counted in ClinVar's aggregate classification.

Literature cited by the submitters: PubMed 22890139 (cited by Illumina Laboratory Services, Illumina).

NM_003227.4(TFR2):c.1473G>A (p.Glu491=)

Gene: TFR2 (transferrin receptor 2; minus strand). Cytogenetic location: 7q22.1.
Variant type: single nucleotide variant.
Coding change: c.1473G>A on transcript NM_003227.4 (MANE Select); coding-DNA position 1473, G replaced by A.
Protein change: p.Glu491=; no amino-acid change (glutamic acid 491 retained).
Molecular consequence: synonymous variant.
Genome position (GRCh38, 1-based): chr7:100,628,224, C>T on the plus strand (G>A on the coding strand, the complement: TFR2 is on the minus strand). VCF-style: chr7-100628224-C-T. GRCh37 (hg19) VCF-style: chr7-100225847-C-T.
Other names: c.960G>A, p.Glu320= (NM_001206855.3).
Identifiers: ClinVar variation 239513 (VCV000239513.36), dbSNP rs139178017, ClinGen allele CA4386435.
Genomic context (GRCh38, chr7:100,628,224, plus strand): 5'-GGAACCCCCCACCCCCACCTCTCCCCAATGCCTAACGACCTGCCCGGGACCCCGTATCAC[C>T]TCTAGCCACTCCGTGGAGCCCACGCTTCCAAAGTCACCACCGTCCCAGCTGATGAAGAGG-3'
Protein context (NP_003218.2, residues 481-501): FGSVGSTEWL[Glu491=]GYLSVLHLKA